The following is an entry in ClinVar:

ClinVar aggregate classification (germline): Uncertain significance (1 of 4 stars; one submission).

gnomAD v4.1: 1 of 1,611,378 alleles (0.000062%); highest among the groups gnomAD compares: Admixed American, 0.0017%; no homozygotes.

Submission:

Women's Health and Genetics/Laboratory Corporation of America, LabCorp
Classification: Uncertain significance. Last evaluated: 2024-12-10. Review status: criteria provided, single submitter. Criteria: LabCorp Variant Classification Summary - May 2015. Collection method: clinical testing. Allele origin: germline.
Comment: Variant summary: BBS9 c.462C>G (p.Ile154Met) results in a conservative amino acid change in the encoded protein sequence. Three of five in-silico tools predict a damaging effect of the variant on protein function. The variant was absent in 250922 control chromosomes (gnomAD). c.462C>G has been reported in the literature in individuals affected with Bardet-Biedl Syndrome (Muller_2010). These data indicate that the variant may be associated with disease. To our knowledge, no experimental evidence demonstrating an impact on protein function has been reported. The following publications have been ascertained in the context of this evaluation (PMID: 21463199, 20177705, 33771153). No submitters have cited clinical-significance assessments for this variant to ClinVar. Based on the evidence outlined above, the variant was classified as VUS-possibly pathogenic.

Literature cited by the submitters: PubMed 21463199; PubMed 20177705; PubMed 33771153.

NM_198428.3(BBS9):c.462C>G (p.Ile154Met)

Gene: BBS9 (Bardet-Biedl syndrome 9; plus strand). Cytogenetic location: 7p14.3.
Variant type: single nucleotide variant.
Coding change: c.462C>G on transcript NM_198428.3 (MANE Select); coding-DNA position 462, C replaced by G.
Protein change: p.Ile154Met; replaces isoleucine 154 with methionine.
Molecular consequence: missense variant. On other transcripts: non-coding transcript variant (3).
Genome position (GRCh38, 1-based): chr7:33,257,255, C>G. VCF-style: chr7-33257255-C-G. GRCh37 (hg19) VCF-style: chr7-33296867-C-G.
Other names: c.462C>G, p.Ile154Met (NM_001033604.2, NM_001033605.2, NM_001348036.1 and 5 more transcripts); c.96C>G, p.Ile32Met (NM_001348037.3, NM_001348044.3, NM_001348045.3 and 1 more transcripts); c.189C>G, p.Ile63Met (NM_001348038.3, NM_001348039.3); c.327C>G, p.Ile109Met (NM_001348042.3); short protein forms I109M, I154M, I32M, I63M.
Identifiers: ClinVar variation 3768146 (VCV003768146.1).
Genomic context (GRCh38, chr7:33,257,255, plus strand): 5'-AAAAAGAATAGATTATCTAATTTTCTCTAATTCTTCTTTAGGTCGAGATTTAATTTGCAT[C>G]CAGTCTATGGATGGGATGCTGATGGTATTTGAGCAGGAGAGCTATGCTTTTGGAAGATTT-3'
Protein context (NP_940820.1, residues 144-164): GGVKGRDLIC[Ile154Met]QSMDGMLMVF